The following is an entry in ClinVar:

NM_001379180.1(ESRRB):c.623G>A (p.Arg208Gln)

Gene: ESRRB (estrogen related receptor beta; plus strand). Cytogenetic location: 14q24.3.
Variant type: single nucleotide variant.
Coding change: c.623G>A on transcript NM_001379180.1 (MANE Select); coding-DNA position 623, G replaced by A.
Protein change: p.Arg208Gln; replaces arginine 208 with glutamine.
Molecular consequence: missense variant.
Genome position (GRCh38, 1-based): chr14:76,482,061, G>A. VCF-style: chr14-76482061-G-A. GRCh37 (hg19) VCF-style: chr14-76948404-G-A.
Other names: c.560G>A, p.Arg187Gln (NM_004452.4); short protein forms R187Q, R208Q.
Identifiers: ClinVar variation 1695771 (VCV001695771.6), dbSNP rs201481591, ClinGen allele CA7281638.

ClinVar aggregate classification (germline): Uncertain significance. Review status: criteria provided, multiple submitters, no conflicts (2 of 4 stars). 2 submissions from 2 submitters: Uncertain significance (2). Last evaluated 2026-10-06.

Allele frequency attached by ClinVar (database versions not stated): ExAC 0.00002; gnomAD exomes 0.00002; TOPMed 0.00002.
gnomAD v4.1: 31 of 1,614,208 alleles (0.0019%); highest among the groups gnomAD compares: Middle Eastern, 0.016%; no homozygotes.

Submissions (2):

GeneDx
Classification: Uncertain significance. Last evaluated: 2026-10-06. Review status: criteria provided, single submitter. Criteria: GeneDx Variant Classification Process June 2021. Collection method: clinical testing. Allele origin: germline.
Comment: Not observed at significant frequency in large population cohorts (gnomAD); In silico analysis supports that this missense variant has a deleterious effect on protein structure/function; Has not been previously published as pathogenic or benign to our knowledge

Ambry Genetics
Classification: Uncertain significance. Last evaluated: 2021-07-09. Review status: criteria provided, single submitter. Criteria: Ambry Variant Classification Scheme 2023. Collection method: clinical testing. Allele origin: germline.